The following is an entry in ClinVar:

NM_000059.4(BRCA2):c.6437A>G (p.Asn2146Ser)

Gene: BRCA2 (BRCA2 DNA repair associated; plus strand). Cytogenetic location: 13q13.1.
Variant type: single nucleotide variant.
Coding change: c.6437A>G on transcript NM_000059.4 (MANE Select); coding-DNA position 6437, A replaced by G.
Protein change: p.Asn2146Ser; replaces asparagine 2146 with serine.
Molecular consequence: missense variant.
Genome position (GRCh38, 1-based): chr13:32,340,792, A>G. VCF-style: chr13-32340792-A-G. GRCh37 (hg19) VCF-style: chr13-32914929-A-G.
Other names: short protein forms N2146S.
Identifiers: ClinVar variation 628309 (VCV000628309.21), dbSNP rs768512381, ClinGen allele CA6940955.

ClinVar aggregate classification (germline): Conflicting classifications of pathogenicity. Review status: criteria provided, conflicting classifications (1 of 4 stars). 7 submissions from 7 submitters: Uncertain significance (4); Likely benign (3). Last evaluated 2025-09-15.

Conditions:
Hereditary cancer-predisposing syndrome. Also called: Tumor predisposition; Neoplastic Syndromes, Hereditary; Hereditary Cancer Syndrome; Hereditary neoplastic syndrome. Identifiers: Orphanet 140162, MedGen C0027672, MeSH D009386, MONDO:0015356.
Hereditary breast ovarian cancer syndrome. Also called: Hereditary breast and ovarian cancer; Hereditary breast and ovarian cancer syndrome (HBOC); Hereditary breast and/or ovarian cancer syndrome; Hereditary breast and ovarian cancer syndrome; Breast and ovarian cancer; BRCA1- and BRCA2-Associated Hereditary Breast and Ovarian Cancer. Identifiers: Orphanet 145, MedGen C0677776, MeSH D061325, MONDO:0003582. Disease mechanism: loss of function.
Breast-ovarian cancer, familial, susceptibility to, 2 (BROVCA2). Also called: BRCA2 Hereditary Breast and Ovarian Cancer. Identifiers: Orphanet 145, MedGen C2675520, MONDO:0012933, OMIM 612555. Disease mechanism: loss of function.

Allele frequency attached by ClinVar (database versions not stated): gnomAD exomes below 0.00001 and 0.00001; ExAC 0.00001.
gnomAD v4.1: 1 of 1,594,832 alleles (0.000063%); highest among the groups gnomAD compares: South Asian, 0.0011%; no homozygotes.

Submissions (7):

Ambry Genetics
Classification: Likely benign for Hereditary cancer-predisposing syndrome. Last evaluated: 2025-09-15. Review status: criteria provided, single submitter. Criteria: Ambry Variant Classification Scheme 2023. Collection method: clinical testing. Allele origin: germline.

Center for Genomic Medicine, Rigshospitalet, Copenhagen University Hospital
Classification: Likely benign. Last evaluated: 2025-03-04. Review status: criteria provided, single submitter. Criteria: ACMG Guidelines, 2015. Collection method: clinical testing. Allele origin: germline.

Labcorp Genetics (formerly Invitae), Labcorp
Classification: Uncertain significance for Hereditary breast ovarian cancer syndrome. Last evaluated: 2024-09-23. Review status: criteria provided, single submitter. Criteria: Invitae Variant Classification Sherloc (09022015). Collection method: clinical testing. Allele origin: germline.
Comment: This sequence change replaces asparagine, which is neutral and polar, with serine, which is neutral and polar, at codon 2146 of the BRCA2 protein (p.Asn2146Ser). This variant is present in population databases (rs768512381, gnomAD 0.008%). This variant has not been reported in the literature in individuals affected with BRCA2-related conditions. ClinVar contains an entry for this variant (Variation ID: 628309). Invitae Evidence Modeling of protein sequence and biophysical properties (such as structural, functional, and spatial information, amino acid conservation, physicochemical variation, residue mobility, and thermodynamic stability) indicates that this missense variant is not expected to disrupt BRCA2 protein function with a negative predictive value of 95%. In summary, the available evidence is currently insufficient to determine the role of this variant in disease. Therefore, it has been classified as a Variant of Uncertain Significance.

All of Us Research Program, National Institutes of Health
Classification: Uncertain significance for Breast-ovarian cancer, familial, susceptibility to, 2. Last evaluated: 2023-12-18. Review status: criteria provided, single submitter. Criteria: ACMG Guidelines, 2015. Collection method: clinical testing. Allele origin: germline. Inheritance: Autosomal dominant inheritance. Observed: 2 variant alleles, 2 heterozygotes.
Comment: This missense variant replaces asparagine with serine at codon 2146 of the BRCA2 protein. Computational prediction suggests that this variant may not impact protein structure and function (internally defined REVEL score threshold <= 0.5, PMID: 27666373). To our knowledge, functional studies have not been reported for this variant. This variant has not been reported in individuals affected with BRCA2-related disorders in the literature. This variant has been identified in 2/231894 chromosomes in the general population by the Genome Aggregation Database (gnomAD). The available evidence is insufficient to determine the role of this variant in disease conclusively. Therefore, this variant is classified as a Variant of Uncertain Significance.

This study involves interpretation of variants in research participants for the purpose of population health screening. Participant phenotype was not available at the time of variant classification. Additional details can be found in publication PMID: 35346344, PMCID: PMC8962531

Color Diagnostics, LLC DBA Color Health
Classification: Uncertain significance for Hereditary cancer-predisposing syndrome. Last evaluated: 2023-11-27. Review status: criteria provided, single submitter. Criteria: ACMG Guidelines, 2015. Collection method: clinical testing. Allele origin: germline.
Comment: This missense variant replaces asparagine with serine at codon 2146 of the BRCA2 protein. Computational prediction suggests that this variant may not impact protein structure and function (internally defined REVEL score threshold <= 0.5, PMID: 27666373). To our knowledge, functional studies have not been reported for this variant. This variant has not been reported in individuals affected with BRCA2-related disorders in the literature. This variant has been identified in 2/231894 chromosomes in the general population by the Genome Aggregation Database (gnomAD). The available evidence is insufficient to determine the role of this variant in disease conclusively. Therefore, this variant is classified as a Variant of Uncertain Significance.

University of Washington Department of Laboratory Medicine, University of Washington
Classification: Likely benign for Hereditary cancer-predisposing syndrome. Last evaluated: 2023-03-23. Review status: criteria provided, single submitter. Criteria: Dines et al. (Genet Med. 2020). Collection method: curation. Allele origin: germline.
Comment: Missense variant in a coldspot region where missense variants are very unlikely to be pathogenic (PMID:31911673).

BRCA2 exon 11 coldspot. Reclassification based on statistical prior probability.

GeneDx
Classification: Uncertain significance. Last evaluated: 2023-03-10. Review status: criteria provided, single submitter. Criteria: GeneDx Variant Classification Process June 2021. Collection method: clinical testing. Allele origin: germline. Affected: yes.
Comment: Not observed at significant frequency in large population cohorts (gnomAD); In silico analysis supports that this missense variant does not alter protein structure/function; Has not been previously published as pathogenic or benign to our knowledge; Also known as 6665A>G; This variant is associated with the following publications: (PMID: 29884841, 32377563)